The following is an entry in ClinVar:

ClinVar aggregate classification (germline): Uncertain significance. Review status: criteria provided, multiple submitters, no conflicts (2 of 4 stars). 3 submissions from 3 submitters: Uncertain significance (3). Last evaluated 2026-09-01.

Conditions:
Malignant hyperthermia, susceptibility to, 1 (MHS1). Also called: Anesthesia related hyperthermia; Malignant hyperpyrexia; Fulminating hyperpyrexia; Pharmacogenic myopathy; RYR1-Related Malignant Hyperthermia Susceptibility; Malignant hyperthermia suceptibility 1. Identifiers: Orphanet 423, MedGen C2930980, MONDO:0007783, OMIM 145600.

Allele frequency attached by ClinVar (database versions not stated): gnomAD 0.00001; TOPMed 0.00001.
gnomAD v4.1: 4 of 1,610,620 alleles (0.00025%); highest among the groups gnomAD compares: Admixed American, 0.0033%; no homozygotes.

Submissions (3):

CeGaT Center for Human Genetics Tuebingen
Classification: Uncertain significance. Last evaluated: 2026-09-01. Review status: criteria provided, single submitter. Criteria: CeGaT Center For Human Genetics Tuebingen Variant Classification Criteria Version 2. Collection method: clinical testing. Allele origin: germline. Affected: yes. Observed: 1 variant allele.

All of Us Research Program, National Institutes of Health
Classification: Uncertain significance for Malignant hyperthermia, susceptibility to, 1. Last evaluated: 2024-05-14. Review status: criteria provided, single submitter. Criteria: ACMG Guidelines, 2015. Collection method: clinical testing. Allele origin: germline. Inheritance: Autosomal dominant inheritance. Observed: 1 variant allele, 1 heterozygote.
Comment: This missense variant replaces leucine with phenylalanine at codon 1668 of the RYR1 protein. Computational prediction is inconclusive regarding the impact of this variant on protein structure and function. To our knowledge, functional studies have not been reported for this variant. This variant has not been reported in individuals affected with RYR1-related disorders in the literature. This variant has been identified in 1/246522 chromosomes in the general population by the Genome Aggregation Database (gnomAD). The available evidence is insufficient to determine the role of this variant in disease conclusively. Therefore, this variant is classified as a Variant of Uncertain Significance.

This study involves interpretation of variants in research participants for the purpose of population health screening. Participant phenotype was not available at the time of variant classification. Additional details can be found in publication PMID: 35346344, PMCID: PMC8962531

Revvity Omics, Revvity
Classification: Uncertain significance. Last evaluated: 2019-06-11. Review status: criteria provided, single submitter. Criteria: ACMG Guidelines, 2015. Collection method: clinical testing. Allele origin: germline.

NM_000540.3(RYR1):c.5002C>T (p.Leu1668Phe)

Gene: RYR1 (ryanodine receptor 1; plus strand). Cytogenetic location: 19q13.2.
Variant type: single nucleotide variant.
Coding change: c.5002C>T on transcript NM_000540.3 (MANE Select); coding-DNA position 5002, C replaced by T.
Protein change: p.Leu1668Phe; replaces leucine 1668 with phenylalanine.
Molecular consequence: missense variant.
Genome position (GRCh38, 1-based): chr19:38,485,657, C>T. VCF-style: chr19-38485657-C-T. GRCh37 (hg19) VCF-style: chr19-38976297-C-T.
Other names: c.5002C>T, p.Leu1668Phe (NM_001042723.2); short protein forms L1668F.
Identifiers: ClinVar variation 2435583 (VCV002435583.5), dbSNP rs1243399912, ClinGen allele CA405652946.